The following is an entry in ClinVar:

ClinVar aggregate classification (germline): Uncertain significance. Review status: criteria provided, multiple submitters, no conflicts (2 of 4 stars). 3 submissions from 3 submitters: Uncertain significance (3). Last evaluated 2025-09-12.

Conditions:
Wolman disease (WOLD). Also called: Wolman disease, CESD; Acid cholesteryl ester hydrolase deficiency, Wolman type; Acid lipase disease; Wolman disease with hypolipoproteinemia and acanthocytosis; LYSOSOMAL ACID LIPASE DEFICIENCY, ACUTE INFANTILE; LYSOSOMAL ACID LIPASE DEFICIENCY, COMPLETE. Identifiers: Orphanet 75233, MedGen C0043208, MONDO:0019148, OMIM 620151.
Lysosomal acid lipase deficiency. Also called: Acid cholesteryl ester hydrolase deficiency, type 2. Identifiers: Orphanet 275761, MedGen C5574740, MONDO:0800449, MONDO:0010204.

Allele frequency attached by ClinVar (database versions not stated): gnomAD exomes below 0.00001; ExAC 0.00001; TOPMed 0.00002.

Submissions (3):

Myriad Genetics, Inc.
Classification: Uncertain significance for Lysosomal acid lipase deficiency. Last evaluated: 2025-09-12. Review status: criteria provided, single submitter. Criteria: Myriad Autosomal Dominant, Autosomal Recessive and X-Linked Classification Criteria (2023). Collection method: clinical testing. Allele origin: unknown.
Comment: NM_000235.2(LIPA):c.616G>A(V206I) is a missense variant classified as a variant of uncertain significance in the context of lysosomal acid lipase deficiency. V206I has not been observed in cases with relevant disease. Relevant functional assessments of this variant are available in the literature (PMID: 31180157). V206I has been observed in referenced population frequency databases. In summary, there is insufficient evidence to classify NM_000235.2(LIPA):c.616G>A(V206I) as pathogenic or benign. Please note: this variant was assessed in the context of healthy population screening.

Labcorp Genetics (formerly Invitae), Labcorp
Classification: Uncertain significance for Wolman disease. Last evaluated: 2024-10-24. Review status: criteria provided, single submitter. Criteria: Invitae Variant Classification Sherloc (09022015). Collection method: clinical testing. Allele origin: germline.
Comment: This sequence change replaces valine, which is neutral and non-polar, with isoleucine, which is neutral and non-polar, at codon 206 of the LIPA protein (p.Val206Ile). This variant is present in population databases (rs756878837, gnomAD 0.003%). This variant has not been reported in the literature in individuals affected with LIPA-related conditions. ClinVar contains an entry for this variant (Variation ID: 301579). Invitae Evidence Modeling of protein sequence and biophysical properties (such as structural, functional, and spatial information, amino acid conservation, physicochemical variation, residue mobility, and thermodynamic stability) indicates that this missense variant is not expected to disrupt LIPA protein function with a negative predictive value of 95%. In summary, the available evidence is currently insufficient to determine the role of this variant in disease. Therefore, it has been classified as a Variant of Uncertain Significance.

Illumina Laboratory Services, Illumina
Classification: Uncertain significance for Cholesteryl ester storage disease. Last evaluated: 2018-01-12. Review status: criteria provided, single submitter. Criteria: ICSL Variant Classification Criteria 13 December 2019. Collection method: clinical testing. Allele origin: germline.

Literature cited by the submitters: PubMed 31180157 (cited by Myriad Genetics, Inc.).

NM_000235.4(LIPA):c.616G>A (p.Val206Ile)

Gene: LIPA (lipase A, lysosomal acid type; minus strand). Cytogenetic location: 10q23.31.
Variant type: single nucleotide variant.
Coding change: c.616G>A on transcript NM_000235.4 (MANE Select); coding-DNA position 616, G replaced by A.
Protein change: p.Val206Ile; replaces valine 206 with isoleucine.
Molecular consequence: missense variant.
Genome position (GRCh38, 1-based): chr10:89,225,151, C>T on the plus strand (G>A on the coding strand, the complement: LIPA is on the minus strand). VCF-style: chr10-89225151-C-T. GRCh37 (hg19) VCF-style: chr10-90984908-C-T.
Other names: c.616G>A, p.Val206Ile (NM_001127605.3); c.268G>A, p.Val90Ile (NM_001288979.2); short protein forms V206I, V90I.
Identifiers: ClinVar variation 301579 (VCV000301579.11), dbSNP rs756878837, ClinGen allele CA5593672.
Genomic context (GRCh38, chr10:89,225,151, plus strand): 5'-CCTTAATGAGATGATCTGGTAATCGTCCTAATTTGGCCATAGGGCTAGTACAGAAGGCGA[C>T]GGAAGCCACAGGACCCAGGGCAAAAAACATTTTAATCCTTTTAGCCAGCTCAGGGATCTG-3'
Protein context (NP_000226.2, residues 196-216): MFFALGPVAS[Val206Ile]AFCTSPMAKL